The following is an entry in ClinVar:

NM_006885.4(ZFHX3):c.3968-7_3968-6del

Genes: ZFHX3 (zinc finger homeobox 3; minus strand), ZFHX3-AS1 (ZFHX3 antisense RNA 1; plus strand). Cytogenetic location: 16q22.2.
Variant type: Deletion.
Coding change: c.3968-7_3968-6del on transcript NM_006885.4 (MANE Select); 7 bases into the intron before coding-DNA position 3968 through 6 bases into the intron before coding-DNA position 3968, 2 bases deleted (TT; older notation c.3968-7_3968-6delTT).
Molecular consequence: intron variant.
Genome position (GRCh38, 1-based): chr16:72,798,720-72,798,721, AA deleted on the plus strand (TT on the coding strand, the reverse complement: ZFHX3 is on the minus strand); deleting any 2 consecutive bases within chr16:72,798,720-72,798,735 gives the same sequence; the c. name uses the placement nearest the transcript's 3' end. VCF-style (leftmost placement, unchanged base first): chr16-72798719-TAA-T. GRCh37 (hg19) VCF-style: chr16-72832618-TAA-T.
Other names: NC_000016.9:g.72832633_72832634del; c.3968-21_3968-20del (NM_006885.4); c.3968-7_3968-6del (NM_001386735.1); c.1226-7_1226-6del (NM_001164766.2).
Identifiers: ClinVar variation 3042236 (VCV003042236.3), dbSNP rs75174704, ClinGen allele CA8163891.

ClinVar aggregate classification (germline): Benign (0 of 4 stars; one submission).

Conditions:
ZFHX3-related disorder. Also called: ZFHX3-related condition.

Submissions (2):

PreventionGenetics, part of Exact Sciences
Classification: Benign for ZFHX3-related condition. Last evaluated: 2019-05-15. Review status: no assertion criteria provided. Collection method: clinical testing. Allele origin: germline.
Comment: This variant is classified as benign based on ACMG/AMP sequence variant interpretation guidelines (Richards et al. 2015 PMID: 25741868, with internal and published modifications).

Dr. Peter K. Rogan Lab, Western University
No classification provided (evidence only). Condition: Gastric cancer. Review status: no classification provided. Collection method: in vitro. Allele origin: not applicable. Functional consequence: retained intron. Not counted in ClinVar's aggregate classification.